The following is an entry in ClinVar:

NM_198253.3(TERT):c.2368G>A (p.Val790Ile)

Gene: TERT (telomerase reverse transcriptase; minus strand). Cytogenetic location: 5p15.33.
Variant type: single nucleotide variant.
Coding change: c.2368G>A on transcript NM_198253.3 (MANE Select); coding-DNA position 2368, G replaced by A.
Protein change: p.Val790Ile; replaces valine 790 with isoleucine.
Molecular consequence: missense variant.
Genome position (GRCh38, 1-based): chr5:1,272,199, C>T on the plus strand (G>A on the coding strand, the complement: TERT is on the minus strand). VCF-style: chr5-1272199-C-T. GRCh37 (hg19) VCF-style: chr5-1272314-C-T.
Other names: c.2368G>A, p.Val790Ile (NM_001193376.3); short protein forms V790I.
Identifiers: ClinVar variation 658645 (VCV000658645.13), dbSNP rs371413388, ClinGen allele CA3184556.

ClinVar aggregate classification (germline): Conflicting classifications of pathogenicity. Review status: criteria provided, conflicting classifications (1 of 4 stars). 4 submissions from 4 submitters: Likely pathogenic (1); Uncertain significance (2); Likely benign (1). Last evaluated 2025-11-25.

Conditions:
Dyskeratosis congenita. Identifiers: Orphanet 1775, MedGen C0265965, MONDO:0015780.
Dyskeratosis congenita, autosomal dominant 2. Identifiers: MedGen C3151443, MONDO:0013521, OMIM 613989.
Idiopathic Pulmonary Fibrosis. Also called: Idiopathic fibrosing alveolitis, chronic form; idiopathic fibrosing alveolitis. Identifiers: Orphanet 2032, MedGen C1800706, MeSH D054990, MONDO:0800504.

Allele frequency attached by ClinVar (database versions not stated): ExAC 0.00001; gnomAD 0.00003 and 0.00004; gnomAD exomes 0.00003 and 0.00004; TOPMed 0.00003; ESP Exome Variant Server 0.00008.

Submissions (4):

Labcorp Genetics (formerly Invitae), Labcorp
Classification: Likely benign for Dyskeratosis congenita, autosomal dominant 2; Idiopathic Pulmonary Fibrosis. Last evaluated: 2025-11-25. Review status: criteria provided, single submitter. Criteria: Invitae Variant Classification Sherloc (09022015). Collection method: clinical testing. Allele origin: germline.

GeneDx
Classification: Uncertain significance. Last evaluated: 2025-06-11. Review status: criteria provided, single submitter. Criteria: GeneDx Variant Classification Process June 2021. Collection method: clinical testing. Allele origin: germline.
Comment: Has not been previously published as pathogenic or benign to our knowledge; In silico analysis suggests that this missense variant does not alter protein structure/function

Ambry Genetics
Classification: Uncertain significance for Dyskeratosis congenita. Last evaluated: 2025-01-08. Review status: criteria provided, single submitter. Criteria: Ambry Variant Classification Scheme 2023. Collection method: clinical testing. Allele origin: germline.
Comment: The p.V790I variant (also known as c.2368G>A), located in coding exon 7 of the TERT gene, results from a G to A substitution at nucleotide position 2368. The valine at codon 790 is replaced by isoleucine, an amino acid with highly similar properties. This amino acid position is well conserved in available vertebrate species; however, isoleucine is the reference amino acid in other vertebrate species. In addition, this alteration is predicted to be tolerated by in silico analysis. Based on the available evidence, the clinical significance of this variant remains unclear.

Dept. of Cytogenetics, ICMR- National Institute of Immunohaematology
Classification: Likely pathogenic for Dyskeratosis congenita, autosomal dominant 2. Review status: criteria provided, single submitter. Criteria: ACMG Guidelines, 2015. Collection method: clinical testing. Allele origin: inherited. Affected: yes. Observed: 1 variant allele.
Comment: Identified in Compound heterozygous condition